The following is an entry in ClinVar:

NM_004999.4(MYO6):c.3256_3257dup (p.Asp1087fs)

Gene: MYO6 (myosin VI; plus strand). Cytogenetic location: 6q14.1.
Variant type: Duplication.
Coding change: c.3256_3257dup on transcript NM_004999.4 (MANE Select); coding-DNA positions 3256 to 3257, 2 bases duplicated (CG; older notation c.3256_3257dupCG).
Protein change: p.Asp1087fs; shifts the reading frame from aspartic acid 1087.
Molecular consequence: frameshift variant. On other transcripts: non-coding transcript variant (1).
Genome position (GRCh38, 1-based): chr6:75,907,684-75,907,685, CG duplicated. VCF-style (leftmost placement, unchanged base first): chr6-75907683-A-ACG. GRCh37 (hg19) VCF-style: chr6-76617400-A-ACG.
Other names: c.3187_3188dup, p.Asp1064fs (NM_001300899.2, NM_001368136.1); c.3244_3245dup, p.Asp1083fs (NM_001368137.1); c.3172_3173dup, p.Asp1059fs (NM_001368138.1); c.3283_3284dup, p.Asp1096fs (NM_001368865.1, NM_001368866.1); short protein forms D1087fs, D1059fs, D1064fs, D1096fs, D1083fs.
Identifiers: ClinVar variation 1458447 (VCV001458447.6), dbSNP rs2149415255, ClinGen allele CA2573141280.
Genomic context (GRCh38, chr6:75,907,683, plus strand): 5'-CACCAAAGCAGCTGCTGGTACTAAGAAATATGATCTTAGTAAATGGAAATATGCAGAACT[A>ACG]CGTGATACCATCAATACTTCTTGTGGTAAGTGTTTGGAGAAGATCAAAAATAGAAAATGT-3'

ClinVar aggregate classification (germline): Pathogenic (1 of 4 stars; one submission).

Submission:

Labcorp Genetics (formerly Invitae), Labcorp
Classification: Pathogenic. Last evaluated: 2021-08-20. Review status: criteria provided, single submitter. Criteria: Invitae Variant Classification Sherloc (09022015). Collection method: clinical testing. Allele origin: germline.
Comment: For these reasons, this variant has been classified as Pathogenic. This variant has not been reported in the literature in individuals affected with MYO6-related conditions. This variant is not present in population databases (ExAC no frequency). This sequence change creates a premature translational stop signal (p.Asp1087Valfs*24) in the MYO6 gene. It is expected to result in an absent or disrupted protein product. Loss-of-function variants in MYO6 are known to be pathogenic (PMID: 12687499, 18348273, 23767834, 25999546, 30582396).

Literature cited by the submitters: PubMed 12687499; PubMed 18348273; PubMed 23767834; PubMed 25999546; PubMed 30582396.